The following is an entry in ClinVar:

ClinVar aggregate classification (germline): Likely benign (1 of 4 stars; one submission).

gnomAD v4.1: 152 of 1,614,072 alleles (0.0094%); highest among the groups gnomAD compares: Middle Eastern, 0.082%; no homozygotes.

Submission:

CeGaT Center for Human Genetics Tuebingen
Classification: Likely benign. Last evaluated: 2025-08-01. Review status: criteria provided, single submitter. Criteria: CeGaT Center For Human Genetics Tuebingen Variant Classification Criteria Version 2. Collection method: clinical testing. Allele origin: germline. Affected: yes. Observed: 1 variant allele.
Comment: DHX30: BP4, BP7

NM_138615.3(DHX30):c.2217A>G (p.Thr739=)

Gene: DHX30 (DExH-box helicase 30; plus strand). Cytogenetic location: 3p21.31.
Variant type: single nucleotide variant.
Coding change: c.2217A>G on transcript NM_138615.3 (MANE Select); coding-DNA position 2217, A replaced by G.
Protein change: p.Thr739=; no amino-acid change (threonine 739 retained).
Molecular consequence: synonymous variant.
Genome position (GRCh38, 1-based): chr3:47,847,887, A>G. VCF-style: chr3-47847887-A-G. GRCh37 (hg19) VCF-style: chr3-47889377-A-G.
Other names: c.2133A>G, p.Thr711= (NM_001330990.2); c.2100A>G, p.Thr700= (NM_014966.4).
Identifiers: ClinVar variation 4084196 (VCV004084196.8).